The following is an entry in ClinVar:

ClinVar aggregate classification (germline): Likely benign (1 of 4 stars; one submission).

Allele frequency attached by ClinVar (database versions not stated): 1000 Genomes Project 0.03195; gnomAD 0.03315 and 0.03330; 1000 Genomes Project 30x 0.03560; gnomAD exomes 0.03994; TOPMed 0.04143.
gnomAD v4.1: 28,550 of 743,988 alleles (3.8%); highest among the groups gnomAD compares: Admixed American, 18%; 1,364 homozygotes.

Submission:

GeneDx
Classification: Likely benign. Last evaluated: 2018-06-19. Review status: criteria provided, single submitter. Criteria: GeneDx Variant Classification (06012015). Collection method: clinical testing. Allele origin: germline. Affected: yes.
Comment: This variant is considered likely benign or benign based on one or more of the following criteria: it is a conservative change, it occurs at a poorly conserved position in the protein, it is predicted to be benign by multiple in silico algorithms, and/or has population frequency not consistent with disease.

NM_001105206.3(LAMA4):c.2057-129A>G

Gene: LAMA4 (laminin subunit alpha 4; minus strand). Cytogenetic location: 6q21.
Variant type: single nucleotide variant.
Coding change: c.2057-129A>G on transcript NM_001105206.3 (MANE Select); 129 bases into the intron before coding-DNA position 2057, A replaced by G.
Molecular consequence: intron variant.
Genome position (GRCh38, 1-based): chr6:112,150,756, T>C on the plus strand (A>G on the coding strand, the complement: LAMA4 is on the minus strand). VCF-style: chr6-112150756-T-C. GRCh37 (hg19) VCF-style: chr6-112471958-T-C.
Other names: c.2036-129A>G (NM_002290.5, NM_001105207.3).
Identifiers: ClinVar variation 675645 (VCV000675645.1), dbSNP rs76951179, ClinGen allele CA12431601.